The following is an entry in ClinVar:

NM_001354604.2(MITF):c.1316A>G (p.His439Arg)

Gene: MITF (melanocyte inducing transcription factor; plus strand). Cytogenetic location: 3p13.
Variant type: single nucleotide variant.
Coding change: c.1316A>G on transcript NM_001354604.2 (MANE Select); coding-DNA position 1316, A replaced by G.
Protein change: p.His439Arg; replaces histidine 439 with arginine.
Molecular consequence: missense variant.
Genome position (GRCh38, 1-based): chr3:69,964,983, A>G. VCF-style: chr3-69964983-A-G. GRCh37 (hg19) VCF-style: chr3-70014134-A-G.
Other names: c.995A>G, p.His332Arg (NM_000248.4); c.1142A>G, p.His381Arg (NM_001184967.2, NM_001354608.2); c.1313A>G, p.His438Arg (NM_001354605.2); c.1295A>G, p.His432Arg (NM_001354606.2, NM_006722.3); c.1247A>G, p.His416Arg (NM_001354607.2); c.977A>G, p.His326Arg (NM_198158.3); c.1298A>G, p.His433Arg (NM_198159.3); c.1250A>G, p.His417Arg (NM_198177.3); and 1 more; short protein forms H417R, H270R, H381R, H416R, H439R, H332R, H433R, H326R.
Identifiers: ClinVar variation 5024469 (VCV005024469.1).

ClinVar aggregate classification (germline): Uncertain significance (1 of 4 stars; one submission).

Conditions:
Hereditary cancer-predisposing syndrome. Also called: Neoplastic Syndromes, Hereditary; Tumor predisposition; Hereditary neoplastic syndrome; Hereditary Cancer Syndrome. Identifiers: Orphanet 140162, MedGen C0027672, MeSH D009386, MONDO:0015356.

gnomAD v4.1: 1 of 1,614,158 alleles (0.000062%); highest among the groups gnomAD compares: Non-Finnish European, 0.000085%; no homozygotes.

Submission:

Ambry Genetics
Classification: Uncertain significance for Hereditary cancer-predisposing syndrome. Last evaluated: 2026-06-17. Review status: criteria provided, single submitter. Criteria: Ambry Variant Classification Scheme 2023. Collection method: clinical testing. Allele origin: germline.
Comment: The p.H332R variant (also known as c.995A>G), located in coding exon 9 of the MITF gene, results from an A to G substitution at nucleotide position 995. The histidine at codon 332 is replaced by arginine, an amino acid with highly similar properties. This amino acid position is conserved. In addition, this alteration is predicted to be tolerated by in silico analysis. Based on the available evidence, the clinical significance of this variant remains unclear.